The following is an entry in ClinVar:

NM_080680.3(COL11A2):c.215C>T (p.Thr72Ile)

Gene: COL11A2 (collagen type XI alpha 2 chain; minus strand). Cytogenetic location: 6p21.32.
Variant type: single nucleotide variant.
Coding change: c.215C>T on transcript NM_080680.3 (MANE Select); coding-DNA position 215, C replaced by T.
Protein change: p.Thr72Ile; replaces threonine 72 with isoleucine.
Molecular consequence: missense variant.
Genome position (GRCh38, 1-based): chr6:33,189,337, G>A on the plus strand (C>T on the coding strand, the complement: COL11A2 is on the minus strand). VCF-style: chr6-33189337-G-A. GRCh37 (hg19) VCF-style: chr6-33157114-G-A.
Other names: c.215C>T, p.Thr72Ile (NM_001163771.2, NM_080679.3, NM_080681.3); short protein forms T72I.
Identifiers: ClinVar variation 1450306 (VCV001450306.3), dbSNP rs2150624787, ClinGen allele CA363613057.

ClinVar aggregate classification (germline): Uncertain significance (1 of 4 stars; one submission).

Submission:

Labcorp Genetics (formerly Invitae), Labcorp
Classification: Uncertain significance. Last evaluated: 2021-10-27. Review status: criteria provided, single submitter. Criteria: Invitae Variant Classification Sherloc (09022015). Collection method: clinical testing. Allele origin: germline.
Comment: This sequence change replaces threonine, a(n) neutral and polar amino acid, with isoleucine, a(n) neutral and non-polar amino acid, at codon 72 of the COL11A2 protein (p.Thr72Ile). This variant is not present in population databases (gnomAD no frequency). This variant has not been reported in the literature in individuals affected with COL11A2-related conditions. Advanced modeling of protein sequence and biophysical properties (such as structural, functional, and spatial information, amino acid conservation, physicochemical variation, residue mobility, and thermodynamic stability) performed at Invitae indicates that this missense variant is not expected to disrupt COL11A2 protein function. In summary, the available evidence is currently insufficient to determine the role of this variant in disease. Therefore, it has been classified as a Variant of Uncertain Significance.